The following is an entry in ClinVar:

ClinVar aggregate classification (germline): Conflicting classifications of pathogenicity. Review status: criteria provided, conflicting classifications (1 of 4 stars). 4 submissions from 4 submitters: Uncertain significance (3); Likely benign (1). Last evaluated 2026-08-19.

Conditions:
Neutral lipid storage myopathy (NLSDM). Also called: NEUTRAL LIPID STORAGE DISEASE WITHOUT ICHTHYOSIS. Identifiers: Orphanet 98908, MedGen C1853136, MONDO:0012545, OMIM 610717.
Inborn genetic diseases. Identifiers: MedGen C0950123, MeSH D030342.

Allele frequency attached by ClinVar (database versions not stated): gnomAD exomes 0.00004 and 0.00010; ExAC 0.00014; TOPMed 0.00052; gnomAD 0.00059 and 0.00063; 1000 Genomes Project 30x 0.00062; 1000 Genomes Project 0.00080.

Submissions (4):

GeneDx
Classification: Uncertain significance. Last evaluated: 2026-08-19. Review status: criteria provided, single submitter. Criteria: GeneDx Variant Classification Process June 2021. Collection method: clinical testing. Allele origin: germline.
Comment: In silico analysis suggests that this missense variant does not alter protein structure/function; Has not been previously published as pathogenic or benign to our knowledge

Ambry Genetics
Classification: Uncertain significance for Inborn genetic diseases. Last evaluated: 2025-07-16. Review status: criteria provided, single submitter. Criteria: Ambry Variant Classification Scheme 2023. Collection method: clinical testing. Allele origin: germline.

Revvity Omics, Revvity
Classification: Likely benign for Neutral lipid storage myopathy. Last evaluated: 2024-03-06. Review status: criteria provided, single submitter. Criteria: ACMG Guidelines, 2015. Collection method: clinical testing. Allele origin: germline.

Labcorp Genetics (formerly Invitae), Labcorp
Classification: Uncertain significance for Neutral lipid storage myopathy. Last evaluated: 2022-10-17. Review status: criteria provided, single submitter. Criteria: Invitae Variant Classification Sherloc (09022015). Collection method: clinical testing. Allele origin: germline.
Comment: This sequence change replaces proline, which is neutral and non-polar, with leucine, which is neutral and non-polar, at codon 469 of the PNPLA2 protein (p.Pro469Leu). This variant is present in population databases (rs201177082, gnomAD 0.1%). This variant has not been reported in the literature in individuals affected with PNPLA2-related conditions. ClinVar contains an entry for this variant (Variation ID: 534196). Algorithms developed to predict the effect of missense changes on protein structure and function are either unavailable or do not agree on the potential impact of this missense change (SIFT: "Tolerated"; PolyPhen-2: "Possibly Damaging"; Align-GVGD: "Class C0"). In summary, the available evidence is currently insufficient to determine the role of this variant in disease. Therefore, it has been classified as a Variant of Uncertain Significance.

NM_020376.4(PNPLA2):c.1406C>T (p.Pro469Leu)

Gene: PNPLA2 (patatin like domain 2, triacylglycerol lipase; plus strand). Cytogenetic location: 11p15.5.
Variant type: single nucleotide variant.
Coding change: c.1406C>T on transcript NM_020376.4 (MANE Select); coding-DNA position 1406, C replaced by T.
Protein change: p.Pro469Leu; replaces proline 469 with leucine.
Molecular consequence: missense variant.
Genome position (GRCh38, 1-based): chr11:824,753, C>T. VCF-style: chr11-824753-C-T. GRCh37 (hg19) VCF-style: chr11-824753-C-T.
Other names: short protein forms P469L.
Identifiers: ClinVar variation 534196 (VCV000534196.15), dbSNP rs201177082, ClinGen allele CA5791399.